The following is an entry in ClinVar:

NM_001267550.2(TTN):c.102833G>T (p.Gly34278Val)

Genes: TTN (titin; minus strand), TTN-AS1 (TTN antisense RNA 1; plus strand). Cytogenetic location: 2q31.2.
Variant type: single nucleotide variant.
Coding change: c.102833G>T on transcript NM_001267550.2 (MANE Select); coding-DNA position 102833, G replaced by T.
Protein change: p.Gly34278Val; replaces glycine 34278 with valine.
Molecular consequence: missense variant.
Genome position (GRCh38, 1-based): chr2:178,533,782, C>A on the plus strand (G>T on the coding strand, the complement: TTN is on the minus strand). VCF-style: chr2-178533782-C-A. GRCh37 (hg19) VCF-style: chr2-179398509-C-A.
Other names: p.G31710V:GGA>GTA; c.97910G>T, p.Gly32637Val (NM_001256850.1); c.75638G>T, p.Gly25213Val (NM_003319.4); c.95129G>T, p.Gly31710Val (NM_133378.4); c.76013G>T, p.Gly25338Val (NM_133432.3); c.76214G>T, p.Gly25405Val (NM_133437.4); short protein forms G34278V, G31710V, G32637V, G25338V, G25405V, G25213V.
Identifiers: ClinVar variation 47655 (VCV000047655.38), dbSNP rs3731752, ClinGen allele CA284264.

ClinVar aggregate classification (germline): Benign/Likely benign. Review status: criteria provided, multiple submitters, no conflicts (2 of 4 stars). 22 submissions from 15 submitters: Benign (17); Likely benign (2). 3 of the submissions do not count toward it. Last evaluated 2026-02-04.

Conditions:
Cardiovascular phenotype. Identifiers: MedGen CN230736.
Dilated cardiomyopathy 1G (CMD1G). Identifiers: Orphanet 154, MedGen C1858763, MONDO:0011400, OMIM 604145.
Autosomal recessive limb-girdle muscular dystrophy type 2J (LGMDR10). Also called: MUSCULAR DYSTROPHY, LIMB-GIRDLE, AUTOSOMAL RECESSIVE 10; Limb-girdle muscular dystrophy, type 2J. Identifiers: Orphanet 140922, MedGen C1837342, MONDO:0012127, OMIM 608807.
Early-onset myopathy with fatal cardiomyopathy (CMYO5). Also called: CONGENITAL MYOPATHY 5 WITH CARDIOMYOPATHY; Salih Myopathy. Identifiers: Orphanet 289377, MedGen C2673677, MONDO:0012714, OMIM 611705. Disease mechanism: loss of function.
Myopathy, myofibrillar, 9, with early respiratory failure (MFM9). Also called: Myopathy, distal, with early respiratory failure, autosomal dominant; Hereditary myopathy with early respiratory failure; MYOPATHY, PROXIMAL, WITH EARLY RESPIRATORY MUSCLE INVOLVEMENT; EDSTROM MYOPATHY. Identifiers: Orphanet 178464, Orphanet 34521, MedGen C1863599, MONDO:0011362, OMIM 603689.
Tibial muscular dystrophy (TMD). Also called: Udd Distal Myopathy – Tibial Muscular Dystrophy; Tibial muscular dystrophy, tardive; UDD MYOPATHY. Identifiers: Orphanet 609, MedGen C1838244, MONDO:0010870, OMIM 600334.

Allele frequency attached by ClinVar (database versions not stated): ExAC 0.03919; gnomAD 0.03923 and 0.04098; gnomAD exomes 0.03933 and 0.02773; 1000 Genomes Project 30x 0.07683; TOPMed 0.04491; ESP Exome Variant Server 0.03392; 1000 Genomes Project 0.07808.
gnomAD v4.1: 47,259 of 1,613,856 alleles (2.9%); highest among the groups gnomAD compares: East Asian, 18%; 1,443 homozygotes.

Submissions (22):

Labcorp Genetics (formerly Invitae), Labcorp
Classification: Benign for Dilated cardiomyopathy 1G; Autosomal recessive limb-girdle muscular dystrophy type 2J. Last evaluated: 2026-02-04. Review status: criteria provided, single submitter. Criteria: Invitae Variant Classification Sherloc (09022015). Collection method: clinical testing. Allele origin: germline.

Molecular Diagnostic Laboratory for Inherited Cardiovascular Disease, Montreal Heart Institute
Classification: Benign. Last evaluated: 2025-04-09. Review status: criteria provided, single submitter. Criteria: ACMG Guidelines, 2015. Collection method: clinical testing. Allele origin: germline. Affected: no.

Women's Health and Genetics/Laboratory Corporation of America, LabCorp
Classification: Likely benign. Last evaluated: 2024-03-11. Review status: criteria provided, single submitter. Criteria: LabCorp Variant Classification Summary - May 2015. Collection method: clinical testing. Allele origin: germline.

Genome-Nilou Lab
Classification: Benign for Autosomal recessive limb-girdle muscular dystrophy type 2J. Last evaluated: 2021-09-10. Review status: criteria provided, single submitter. Criteria: ACMG Guidelines, 2015. Collection method: clinical testing. Allele origin: germline. Affected: no.

Genome-Nilou Lab
Classification: Benign for Myopathy, myofibrillar, 9, with early respiratory failure. Last evaluated: 2021-09-10. Review status: criteria provided, single submitter. Criteria: ACMG Guidelines, 2015. Collection method: clinical testing. Allele origin: germline. Affected: no.

Genome-Nilou Lab
Classification: Benign for Early-onset myopathy with fatal cardiomyopathy. Last evaluated: 2021-09-10. Review status: criteria provided, single submitter. Criteria: ACMG Guidelines, 2015. Collection method: clinical testing. Allele origin: germline. Affected: no.

Genome-Nilou Lab
Classification: Benign for Tibial muscular dystrophy. Last evaluated: 2021-09-10. Review status: criteria provided, single submitter. Criteria: ACMG Guidelines, 2015. Collection method: clinical testing. Allele origin: germline. Affected: no.

Illumina Laboratory Services, Illumina
Classification: Benign for Dilated cardiomyopathy 1G. Last evaluated: 2018-01-13. Review status: criteria provided, single submitter. Criteria: ICSL Variant Classification Criteria 13 December 2019. Collection method: clinical testing. Allele origin: germline.
Comment: This variant was observed in the ICSL laboratory as part of a predisposition screen in an ostensibly healthy population. It had not been previously curated by ICSL or reported in the Human Gene Mutation Database (HGMD: prior to June 1st, 2018), and was therefore a candidate for classification through an automated scoring system. Utilizing variant allele frequency, disease prevalence and penetrance estimates, and inheritance mode, an automated score was calculated to assess if this variant is too frequent to cause the disease. Based on the score and internal cut-off values, a variant classified as benign is not then subjected to further curation. The score for this variant resulted in a classification of benign for this disease.

Illumina Laboratory Services, Illumina
Classification: Benign for Early-onset myopathy with fatal cardiomyopathy. Last evaluated: 2018-01-13. Review status: criteria provided, single submitter. Criteria: ICSL Variant Classification Criteria 13 December 2019. Collection method: clinical testing. Allele origin: germline.
Comment: the same text as in the submission from Illumina Laboratory Services, Illumina above.

Illumina Laboratory Services, Illumina
Classification: Benign for Autosomal recessive limb-girdle muscular dystrophy type 2J. Last evaluated: 2018-01-13. Review status: criteria provided, single submitter. Criteria: ICSL Variant Classification Criteria 13 December 2019. Collection method: clinical testing. Allele origin: germline.
Comment: the same text as in the submission from Illumina Laboratory Services, Illumina above.

Illumina Laboratory Services, Illumina
Classification: Benign for Tibial muscular dystrophy. Last evaluated: 2018-01-13. Review status: criteria provided, single submitter. Criteria: ICSL Variant Classification Criteria 13 December 2019. Collection method: clinical testing. Allele origin: germline.
Comment: the same text as in the submission from Illumina Laboratory Services, Illumina above.

Illumina Laboratory Services, Illumina
Classification: Benign for Myopathy, myofibrillar, 9, with early respiratory failure. Last evaluated: 2018-01-13. Review status: criteria provided, single submitter. Criteria: ICSL Variant Classification Criteria 13 December 2019. Collection method: clinical testing. Allele origin: germline.
Comment: the same text as in the submission from Illumina Laboratory Services, Illumina above.

Mayo Clinic Laboratories, Mayo Clinic
Classification: Benign. Last evaluated: 2017-10-04. Review status: criteria provided, single submitter. Criteria: ACMG Guidelines, 2015. Collection method: clinical testing. Allele origin: germline. Observed: 173 variant alleles.

Eurofins Ntd Llc (ga)
Classification: Benign. Last evaluated: 2014-01-27. Review status: criteria provided, single submitter. Criteria: EGL Classification Definitions 2015. Collection method: clinical testing. Allele origin: germline. Observed: 1 variant allele, 1 heterozygote.

Genetic Services Laboratory, University of Chicago
Classification: Benign for AllHighlyPenetrant. Last evaluated: 2013-08-15. Review status: criteria provided, single submitter. Criteria: ACMG Guidelines, 2007. Collection method: clinical testing. Allele origin: germline.

Ambry Genetics
Classification: Benign for Cardiovascular phenotype. Last evaluated: 2013-01-16. Review status: criteria provided, single submitter. Criteria: Ambry Autosomal Dominant and X-Linked criteria (10/2015). Collection method: clinical testing. Allele origin: germline. Observed: 1 variant allele.

GeneDx
Classification: Benign. Last evaluated: 2012-10-31. Review status: criteria provided, single submitter. Criteria: GeneDx Variant Classification (06012015). Collection method: clinical testing. Allele origin: germline. Affected: yes.
Comment: This variant is considered likely benign or benign based on one or more of the following criteria: it is a conservative change, it occurs at a poorly conserved position in the protein, it is predicted to be benign by multiple in silico algorithms, and/or has population frequency not consistent with disease.

Laboratory for Molecular Medicine, Mass General Brigham Personalized Medicine
Classification: Benign. Last evaluated: 2012-05-23. Review status: criteria provided, single submitter. Criteria: LMM Criteria. Collection method: clinical testing. Allele origin: germline. Observed: 109 variant alleles.

Breakthrough Genomics
Classification: Likely benign. Review status: criteria provided, single submitter. Criteria: ACMG Guidelines, 2015. Collection method: not provided. Allele origin: germline. Inheritance: Autosomal recessive inheritance. Affected: yes.

Clinical Genetics DNA and cytogenetics Diagnostics Lab, Erasmus MC, Erasmus Medical Center
Classification: Benign. Review status: no assertion criteria provided. Collection method: clinical testing. Allele origin: germline. Affected: yes. Study: VKGL Data-share Consensus. Not counted in ClinVar's aggregate classification.

Clinical Genetics, Academic Medical Center
Classification: Benign. Review status: no assertion criteria provided. Collection method: clinical testing. Allele origin: germline. Affected: yes. Study: VKGL Data-share Consensus. Not counted in ClinVar's aggregate classification.

Laboratory of Diagnostic Genome Analysis, Leiden University Medical Center (LUMC)
Classification: Likely benign. Review status: no assertion criteria provided. Collection method: clinical testing. Allele origin: germline. Affected: yes. Study: VKGL Data-share Consensus. Not counted in ClinVar's aggregate classification.